The following is an entry in ClinVar:

NM_005862.3(STAG1):c.2685+6_2685+9del

Gene: STAG1 (STAG1 cohesin complex component; minus strand). Cytogenetic location: 3q22.3.
Variant type: Deletion.
Coding change: c.2685+6_2685+9del on transcript NM_005862.3 (MANE Select); bases 6 to 9 of the intron after coding-DNA position 2685, 4 bases deleted (GTTA; older notation c.2685+6_2685+9delGTTA).
Molecular consequence: intron variant.
Genome position (GRCh38, 1-based): chr3:136,366,934-136,366,937, TAAC deleted on the plus strand (GTTA on the coding strand, the reverse complement: STAG1 is on the minus strand); deleting any 4 consecutive bases within chr3:136,366,934-136,366,939 gives the same sequence; the c. name uses the placement nearest the transcript's 3' end. VCF-style (leftmost placement, unchanged base first): chr3-136366933-TTAAC-T. GRCh37 (hg19) VCF-style: chr3-136085775-TTAAC-T.
Other names: c.2685+6_2685+9delGTTA (NM_005862.3).
Identifiers: ClinVar variation 4847794 (VCV004847794.1).

ClinVar aggregate classification (germline): Uncertain significance (1 of 4 stars; one submission).

Submission:

Women's Health and Genetics/Laboratory Corporation of America, LabCorp
Classification: Uncertain significance. Last evaluated: 2026-02-16. Review status: criteria provided, single submitter. Criteria: LabCorp Variant Classification Summary - May 2015. Collection method: clinical testing. Allele origin: germline.
Comment: Variant summary: STAG1 c.2685+6_2685+9delGTTA alters a nucleotide located close to a canonical splice site and therefore could affect mRNA splicing, leading to a significantly altered protein sequence. Consensus agreement among computation tools predict no significant impact on normal splicing. However, these predictions have yet to be confirmed by functional studies. The variant allele was found at a frequency of 8.7e-06 in 229940 control chromosomes. The available data on variant occurrences in the general population are insufficient to allow any conclusion about variant significance. To our knowledge, no occurrence of c.2685+6_2685+9delGTTA in individuals affected with STAG1-related conditions and no experimental evidence demonstrating its impact on protein function have been reported. No submitters have cited clinical-significance assessments for this variant to ClinVar. Based on the evidence outlined above, the variant was classified as uncertain significance.